The following is an entry in ClinVar:

ClinVar aggregate classification (germline): Pathogenic (1 of 4 stars; one submission).

Conditions:
Polycystic kidney disease, adult type (PKD1). Also called: Polycystic Kidney, Autosomal Dominant; POLYCYSTIC KIDNEY DISEASE 1 WITH OR WITHOUT POLYCYSTIC LIVER DISEASE; POLYCYSTIC KIDNEY DISEASE, ADULT, TYPE I; Polycystic Kidney Disease 1, Autosomal Dominant; Polycystic kidney disease 1; Polycystic kidney disease 1, severe. Identifiers: MedGen C3149841, MONDO:0008263, OMIM 173900.

Submission:

Juno Genomics, Hangzhou Juno Genomics, Inc
Classification: Pathogenic for Polycystic kidney disease, adult type. Review status: criteria provided, single submitter. Criteria: ACMG Guidelines, 2015. Collection method: clinical testing. Allele origin: germline. Affected: yes.
Comment: Absent from controls (or at extremely low frequency if recessive) in Genome Aggregation Database, Exome Sequencing Project, 1000 Genomes Project, or Exome Aggregation Consortium.;Null variant in a gene where loss of function (LOF) is a known mechanism of disease.;Patient's phenotype or family history is highly specific for a disease with a single genetic etiology.

NM_001009944.3(PKD1):c.7241del (p.Thr2414fs)

Gene: PKD1 (polycystin 1, transient receptor potential channel interacting; minus strand). Cytogenetic location: 16p13.3.
Variant type: Deletion.
Coding change: c.7241del on transcript NM_001009944.3 (MANE Select); coding-DNA position 7241, one base deleted (C; older notation c.7241delC).
Protein change: p.Thr2414fs; shifts the reading frame from threonine 2414.
Molecular consequence: frameshift variant.
Genome position (GRCh38, 1-based): chr16:2,106,646, G deleted on the plus strand (C on the coding strand, the reverse complement: PKD1 is on the minus strand). VCF-style (leftmost placement, unchanged base first): chr16-2106645-CG-C. GRCh37 (hg19) VCF-style: chr16-2156646-CG-C.
Other names: c.7241del, p.Thr2414fs (NM_000296.4); short protein forms T2414fs.
Identifiers: ClinVar variation 3335852 (VCV003335852.2).